The following is an entry in ClinVar:

ClinVar aggregate classification (germline): Uncertain significance (1 of 4 stars; one submission).

Conditions:
Arrhythmogenic cardiomyopathy with wooly hair and keratoderma. Also called: Carvajal syndrome; Dilated cardiomyopathy with woolly hair and keratoderma; Arrhythmogenic cardiomyopathy with woolly hair and keratoderma; PALMOPLANTAR KERATODERMA WITH LEFT VENTRICULAR CARDIOMYOPATHY AND WOOLLY HAIR. Identifiers: Orphanet 65282, MedGen C1854063, MONDO:0011581, OMIM 605676.
Arrhythmogenic right ventricular dysplasia 8 (ARVD8). Also called: ARRHYTHMOGENIC RIGHT VENTRICULAR DYSPLASIA, FAMILIAL, 8; ARRHYTHMOGENIC RIGHT VENTRICULAR CARDIOMYOPATHY 8; Arrhythmogenic Right Ventricular Dysplasia/Cardiomyopathy 8. Identifiers: MedGen C1843896, MONDO:0011831, OMIM 607450.

Submission:

Labcorp Genetics (formerly Invitae), Labcorp
Classification: Uncertain significance for Arrhythmogenic cardiomyopathy with wooly hair and keratoderma; Arrhythmogenic right ventricular dysplasia 8. Last evaluated: 2022-09-06. Review status: criteria provided, single submitter. Criteria: Invitae Variant Classification Sherloc (09022015). Collection method: clinical testing. Allele origin: germline.
Comment: In summary, the available evidence is currently insufficient to determine the role of this variant in disease. Therefore, it has been classified as a Variant of Uncertain Significance. Algorithms developed to predict the effect of missense changes on protein structure and function (SIFT, PolyPhen-2, Align-GVGD) all suggest that this variant is likely to be disruptive. This variant has not been reported in the literature in individuals affected with DSP-related conditions. This variant is not present in population databases (gnomAD no frequency). This sequence change replaces threonine, which is neutral and polar, with alanine, which is neutral and non-polar, at codon 2337 of the DSP protein (p.Thr2337Ala).

NM_004415.4(DSP):c.7009A>G (p.Thr2337Ala)

Gene: DSP (desmoplakin; plus strand). Cytogenetic location: 6p24.3.
Variant type: single nucleotide variant.
Coding change: c.7009A>G on transcript NM_004415.4 (MANE Select); coding-DNA position 7009, A replaced by G.
Protein change: p.Thr2337Ala; replaces threonine 2337 with alanine.
Molecular consequence: missense variant.
Genome position (GRCh38, 1-based): chr6:7,584,271, A>G. VCF-style: chr6-7584271-A-G. GRCh37 (hg19) VCF-style: chr6-7584504-A-G.
Other names: c.5212A>G, p.Thr1738Ala (NM_001008844.3); c.5680A>G, p.Thr1894Ala (NM_001319034.2); short protein forms T1738A, T1894A, T2337A.
Identifiers: ClinVar variation 1718639 (VCV001718639.6), dbSNP rs2533943492, ClinGen allele CA362692030.